The following is an entry in ClinVar:

ClinVar aggregate classification (germline): Pathogenic. Review status: criteria provided, multiple submitters, no conflicts (2 of 4 stars). 5 submissions from 5 submitters: Pathogenic (4). 1 of the submissions does not count toward it. Last evaluated 2025-04-13.

Conditions:
Familial thoracic aortic aneurysm and aortic dissection (TAAD). Also called: Thoracic aortic aneurysms and dissections. Identifiers: Orphanet 91387, MedGen C4707243, MONDO:0019625.
Acromicric dysplasia (ACMICD). Also called: Acromicric skeletal dysplasia. Identifiers: Orphanet 969, MedGen C0265287, MONDO:0007055, OMIM 102370.
Marfan syndrome (MFS). Also called: Marfan syndrome type 1; Marfan's syndrome; FBN1-Related Marfan Syndrome; MARFAN SYNDROME, TYPE I; Marfan syndrome, classic. Identifiers: Orphanet 284963, Orphanet 558, MedGen C0024796, MONDO:0007947, OMIM 154700.

Submissions (5):

Labcorp Genetics (formerly Invitae), Labcorp
Classification: Pathogenic for Marfan syndrome; Familial thoracic aortic aneurysm and aortic dissection. Last evaluated: 2025-04-13. Review status: criteria provided, single submitter. Criteria: Invitae Variant Classification Sherloc (09022015). Collection method: clinical testing. Allele origin: germline.
Comment: This sequence change replaces cysteine, which is neutral and slightly polar, with tyrosine, which is neutral and polar, at codon 570 of the FBN1 protein (p.Cys570Tyr). This variant is not present in population databases (gnomAD no frequency). This missense change has been observed in individuals with Marfan syndrome (PMID: 11700157, 27724990, 28941062). It has also been observed to segregate with disease in related individuals. ClinVar contains an entry for this variant (Variation ID: 549035). Invitae Evidence Modeling of protein sequence and biophysical properties (such as structural, functional, and spatial information, amino acid conservation, physicochemical variation, residue mobility, and thermodynamic stability) indicates that this missense variant is expected to disrupt FBN1 protein function with a positive predictive value of 95%. This variant affects a cysteine residue in the EGF-like, TGFBP or hybrid motif domains of FBN1. Cysteine residues are believed to be involved in intramolecular disulfide bridges and have been shown to be important for FBN1 protein structure (PMID: 16905551, 19349279). In addition, missense substitutions affecting cysteine residues within these domains are significantly overrepresented among patients with Marfan syndrome (PMID: 16571647, 17701892). For these reasons, this variant has been classified as Pathogenic.

Ambry Genetics
Classification: Pathogenic for Familial thoracic aortic aneurysm and aortic dissection. Last evaluated: 2024-11-29. Review status: criteria provided, single submitter. Criteria: Ambry Variant Classification Scheme 2023. Collection method: clinical testing. Allele origin: germline.
Comment: The p.C570Y pathogenic mutation (also known as c.1709G>A), located in coding exon 13 of the FBN1 gene, results from a G to A substitution at nucleotide position 1709. The cysteine at codon 570 is replaced by tyrosine, an amino acid with highly dissimilar properties. The majority of FBN1 mutations identified to date have involved the substitution or generation of cysteine residues within cbEGF domains (Vollbrandt T et al. J Biol Chem. 2004;279(31):32924-32931). Internal structural analysis indicates this alteration eliminates a disulfide bond critical for the structural integrity of the cbEGF4 domain (Ambry internal data). This variant was reported in individual(s) with features consistent with Marfan syndrome (Loeys B et al. Arch Intern Med, 2001 Nov;161:2447-54; Zhurayev R et al. Genet Res (Camb), 2016 Oct;98:e13; Vatti L et al. Am J Med Genet A, 2017 Nov;173:2995-3002; Madar L et al. J Biotechnol, 2019 Aug;301:105-111; Ambry internal data). Other variant(s) at the same codon, p.C570R (c.1708T>C), have been identified in individual(s) with features consistent with Marfan syndrome (Wu Y et al. Biosci Rep, 2020 12;40). This amino acid position is highly conserved in available vertebrate species. In addition, this alteration is predicted to be deleterious by in silico analysis. This variant is considered to be rare based on population cohorts in the Genome Aggregation Database (gnomAD). Based on the supporting evidence, this variant is interpreted as a disease-causing mutation.

Centre of Medical Genetics, University of Antwerp
Classification: Pathogenic for Familial thoracic aortic aneurysm and aortic dissection. Last evaluated: 2024-09-06. Review status: criteria provided, single submitter. Criteria: ACMG Guidelines, 2015. Collection method: clinical testing. Allele origin: germline. Affected: yes.
Comment: P(PM1-2, 5; PP3, 5)

Mendelics
Classification: Pathogenic for Acromicric dysplasia. Last evaluated: 2022-05-04. Review status: criteria provided, single submitter. Criteria: Mendelics Assertion Criteria 2019. Collection method: clinical testing. Allele origin: germline.

Center for Medical Genetics Ghent, University of Ghent
Classification: Pathogenic for Marfan syndrome. Last evaluated: 2017-11-07. Review status: no assertion criteria provided. Collection method: clinical testing. Allele origin: germline. Affected: yes. Not counted in ClinVar's aggregate classification.

Literature cited by the submitters: PubMed 11700157 (cited by Labcorp Genetics (formerly Invitae), Labcorp and Ambry Genetics); PubMed 27724990 (cited by Labcorp Genetics (formerly Invitae), Labcorp and Ambry Genetics); PubMed 28941062 (cited by Labcorp Genetics (formerly Invitae), Labcorp and Ambry Genetics); PubMed 16905551 (cited by Labcorp Genetics (formerly Invitae), Labcorp); PubMed 19349279 (cited by Labcorp Genetics (formerly Invitae), Labcorp); PubMed 16571647 (cited by Labcorp Genetics (formerly Invitae), Labcorp); PubMed 17701892 (cited by Labcorp Genetics (formerly Invitae), Labcorp); PubMed 31163209 (cited by Ambry Genetics).

NM_000138.5(FBN1):c.1709G>A (p.Cys570Tyr)

Gene: FBN1 (fibrillin 1; minus strand). Cytogenetic location: 15q21.1.
Variant type: single nucleotide variant.
Coding change: c.1709G>A on transcript NM_000138.5 (MANE Select); coding-DNA position 1709, G replaced by A.
Protein change: p.Cys570Tyr; replaces cysteine 570 with tyrosine.
Molecular consequence: missense variant.
Genome position (GRCh38, 1-based): chr15:48,510,049, C>T on the plus strand (G>A on the coding strand, the complement: FBN1 is on the minus strand). VCF-style: chr15-48510049-C-T. GRCh37 (hg19) VCF-style: chr15-48802246-C-T.
Other names: short protein forms C570Y.
Identifiers: ClinVar variation 549035 (VCV000549035.8), dbSNP rs1555400049, ClinGen allele CA392340926.